The following is an entry in ClinVar:

ClinVar aggregate classification (germline): Likely benign (1 of 4 stars; one submission).

Allele frequency attached by ClinVar (database versions not stated): 1000 Genomes Project 0.01717; 1000 Genomes Project 30x 0.01749; TOPMed 0.02882; gnomAD 0.03013 and 0.03085.
gnomAD v4.1: 4,626 of 152,256 alleles (3%); highest among the groups gnomAD compares: Non-Finnish European, 4.3%; 110 homozygotes.

Submission:

GeneDx
Classification: Likely benign. Last evaluated: 2018-06-19. Review status: criteria provided, single submitter. Criteria: GeneDx Variant Classification (06012015). Collection method: clinical testing. Allele origin: germline. Affected: yes.
Comment: This variant is considered likely benign or benign based on one or more of the following criteria: it is a conservative change, it occurs at a poorly conserved position in the protein, it is predicted to be benign by multiple in silico algorithms, and/or has population frequency not consistent with disease.

NM_014141.6(CNTNAP2):c.1083+282T>C

Gene: CNTNAP2 (contactin associated protein 2; plus strand). Cytogenetic location: 7q35.
Variant type: single nucleotide variant.
Coding change: c.1083+282T>C on transcript NM_014141.6 (MANE Select); 282 bases into the intron after coding-DNA position 1083, T replaced by C.
Molecular consequence: intron variant.
Genome position (GRCh38, 1-based): chr7:147,129,118, T>C. VCF-style: chr7-147129118-T-C. GRCh37 (hg19) VCF-style: chr7-146826210-T-C.
Identifiers: ClinVar variation 671785 (VCV000671785.1), dbSNP rs75399858, ClinGen allele CA12550171.